The following is an entry in ClinVar:

NM_000284.4(PDHA1):c.604-10C>T

Gene: PDHA1 (pyruvate dehydrogenase E1 subunit alpha 1; plus strand). Cytogenetic location: Xp22.12.
Variant type: single nucleotide variant.
Coding change: c.604-10C>T on transcript NM_000284.4 (MANE Select); 10 bases into the intron before coding-DNA position 604, C replaced by T.
Molecular consequence: intron variant.
Genome position (GRCh38, 1-based): chrX:19,355,339, C>T. VCF-style: chrX-19355339-C-T. GRCh37 (hg19) VCF-style: chrX-19373457-C-T.
Other names: c.718-10C>T (NM_001173454.2); c.625-10C>T (NM_001173455.2); c.511-10C>T (NM_001173456.2).
Identifiers: ClinVar variation 214930 (VCV000214930.21), dbSNP rs201754585, ClinGen allele CA322434.

ClinVar aggregate classification (germline): Benign. Review status: criteria provided, multiple submitters, no conflicts (2 of 4 stars). 6 submissions from 6 submitters: Benign (6). Last evaluated 2026-01-24.

Conditions:
Pyruvate dehydrogenase E1-alpha deficiency (PDHAD). Also called: Ataxia, intermittent, with pyruvate dehydrogenase, or decarboxylase, deficiency; ATAXIA, INTERMITTENT, WITH PYRUVATE DEHYDROGENASE DEFICIENCY; ATAXIA WITH LACTIC ACIDOSIS I; ATAXIA, INTERMITTENT, WITH ABNORMAL PYRUVATE METABOLISM. Identifiers: Orphanet 79243, MedGen C1839413, MONDO:0010717, OMIM 312170.

Allele frequency attached by ClinVar (database versions not stated): gnomAD 0.00058 and 0.00080; TOPMed 0.00072; ESP Exome Variant Server 0.00076; 1000 Genomes Project 30x 0.00083; 1000 Genomes Project 0.00106; gnomAD exomes 0.00124 and 0.00209; ExAC 0.00235.
gnomAD v4.1: 1,478 of 1,209,772 alleles (0.12%); highest among the groups gnomAD compares: South Asian, 1.4%; 7 homozygotes.

Submissions (6):

Labcorp Genetics (formerly Invitae), Labcorp
Classification: Benign for Pyruvate dehydrogenase E1-alpha deficiency. Last evaluated: 2026-01-24. Review status: criteria provided, single submitter. Criteria: Invitae Variant Classification Sherloc (09022015). Collection method: clinical testing. Allele origin: germline.

Blueprint Genetics
Classification: Benign. Last evaluated: 2024-11-01. Review status: criteria provided, single submitter. Criteria: ACMG Guidelines, 2015. Collection method: clinical testing. Allele origin: germline.

Illumina Laboratory Services, Illumina
Classification: Benign for Pyruvate dehydrogenase E1-alpha deficiency. Last evaluated: 2018-01-13. Review status: criteria provided, single submitter. Criteria: ICSL Variant Classification Criteria 13 December 2019. Collection method: clinical testing. Allele origin: germline.
Comment: This variant was observed in the ICSL laboratory as part of a predisposition screen in an ostensibly healthy population. It had not been previously curated by ICSL or reported in the Human Gene Mutation Database (HGMD: prior to June 1st, 2018), and was therefore a candidate for classification through an automated scoring system. Utilizing variant allele frequency, disease prevalence and penetrance estimates, and inheritance mode, an automated score was calculated to assess if this variant is too frequent to cause the disease. Based on the score and internal cut-off values, a variant classified as benign is not then subjected to further curation. The score for this variant resulted in a classification of benign for this disease.

Genetic Services Laboratory, University of Chicago
Classification: Benign. Last evaluated: 2016-07-28. Review status: criteria provided, single submitter. Criteria: ACMG Guidelines, 2015. Collection method: clinical testing. Allele origin: germline. Affected: no.

GeneDx
Classification: Benign. Last evaluated: 2012-12-04. Review status: criteria provided, single submitter. Criteria: GeneDx Variant Classification (06012015). Collection method: clinical testing. Allele origin: germline. Affected: yes.
Comment: This variant is considered likely benign or benign based on one or more of the following criteria: it is a conservative change, it occurs at a poorly conserved position in the protein, it is predicted to be benign by multiple in silico algorithms, and/or has population frequency not consistent with disease.

Breakthrough Genomics
Classification: Benign. Review status: criteria provided, single submitter. Criteria: ACMG Guidelines, 2015. Collection method: not provided. Allele origin: germline. Inheritance: X-linked inheritance. Affected: yes.